The following is an entry in ClinVar:

ClinVar aggregate classification (germline): Likely benign. Review status: criteria provided, multiple submitters, no conflicts (2 of 4 stars). 3 submissions from 3 submitters: Likely benign (3). Last evaluated 2025-09-20.

Allele frequency attached by ClinVar (database versions not stated): gnomAD exomes 0.00003; gnomAD 0.00006; ExAC 0.00007.
gnomAD v4.1: 47 of 1,613,364 alleles (0.0029%); highest among the groups gnomAD compares: Middle Eastern, 0.033%; no homozygotes.

Submissions (4):

Mayo Clinic Laboratories, Mayo Clinic
Classification: Likely benign. Last evaluated: 2025-09-20. Review status: criteria provided, single submitter. Criteria: ACMG Guidelines, 2015. Collection method: clinical testing. Allele origin: germline. Observed: 1 variant allele.
Comment: BP4, BP7

Labcorp Genetics (formerly Invitae), Labcorp
Classification: Likely benign. Last evaluated: 2023-12-28. Review status: criteria provided, single submitter. Criteria: Invitae Variant Classification Sherloc (09022015). Collection method: clinical testing. Allele origin: germline.

Blueprint Genetics
Classification: Likely benign. Last evaluated: 2023-09-26. Review status: criteria provided, single submitter. Criteria: ACMG Guidelines, 2015. Collection method: clinical testing. Allele origin: germline.

Dr. Peter K. Rogan Lab, Western University
No classification provided (evidence only). Condition: Cervical cancer. Review status: no classification provided. Collection method: in vitro. Allele origin: not applicable. Functional consequence: retained intron. Not counted in ClinVar's aggregate classification.

NM_025074.7(FRAS1):c.3816G>A (p.Pro1272=)

Gene: FRAS1 (Fraser extracellular matrix complex subunit 1; plus strand). Cytogenetic location: 4q21.21.
Variant type: single nucleotide variant.
Coding change: c.3816G>A on transcript NM_025074.7 (MANE Select); coding-DNA position 3816, G replaced by A.
Protein change: p.Pro1272=; no amino-acid change (proline 1272 retained).
Molecular consequence: synonymous variant.
Genome position (GRCh38, 1-based): chr4:78,387,542, G>A. VCF-style: chr4-78387542-G-A. GRCh37 (hg19) VCF-style: chr4-79308696-G-A.
Other names: p.Pro1272=; c.3816G>A, p.Pro1272= (NM_001166133.2).
Identifiers: ClinVar variation 2919824 (VCV002919824.6), dbSNP rs773904548, ClinGen allele CA2977024.